The following is an entry in ClinVar:

NM_004006.3(DMD):c.856T>C (p.Tyr286His)

Gene: DMD (dystrophin; minus strand). Cytogenetic location: Xp21.1.
Variant type: single nucleotide variant.
Coding change: c.856T>C on transcript NM_004006.3 (MANE Select); coding-DNA position 856, T replaced by C.
Protein change: p.Tyr286His; replaces tyrosine 286 with histidine.
Molecular consequence: missense variant.
Genome position (GRCh38, 1-based): chrX:32,697,974, A>G on the plus strand (T>C on the coding strand, the complement: DMD is on the minus strand). VCF-style: chrX-32697974-A-G. GRCh37 (hg19) VCF-style: chrX-32716091-A-G.
Other names: c.832T>C, p.Tyr278His (NM_000109.4); c.844T>C, p.Tyr282His (NM_004009.3); c.487T>C, p.Tyr163His (NM_004010.3); short protein forms Y163H, Y282H, Y286H, Y278H.
Identifiers: ClinVar variation 1763894 (VCV001763894.2), dbSNP rs1187274831, ClinGen allele CA412668710.

ClinVar aggregate classification (germline): Uncertain significance (1 of 4 stars; one submission).

Conditions:
Cardiovascular phenotype. Identifiers: MedGen CN230736.

gnomAD v4.1: 1 of 1,197,412 alleles (0.000084%); highest among the groups gnomAD compares: African/African-American, 0.0018%; no homozygotes.

Submission:

Ambry Genetics
Classification: Uncertain significance for Cardiovascular phenotype. Last evaluated: 2020-08-24. Review status: criteria provided, single submitter. Criteria: Ambry Variant Classification Scheme 2023. Collection method: clinical testing. Allele origin: germline.
Comment: The p.Y286H variant (also known as c.856T>C), located in coding exon 9 of the DMD gene, results from a T to C substitution at nucleotide position 856. The tyrosine at codon 286 is replaced by histidine, an amino acid with similar properties. Based on data from gnomAD, the C allele has an overall frequency of 0.0006% (1/161978) total alleles studied. The highest observed frequency was 0.009% (1/11541) of African alleles. This amino acid position is not well conserved in available vertebrate species, and histidine is the reference amino acid in other vertebrate species. In addition, this alteration is predicted to be tolerated by in silico analysis. Since supporting evidence is limited at this time, the clinical significance of this alteration remains unclear.